The following is an entry in ClinVar:

NM_016006.6(ABHD5):c.340C>T (p.Arg114Ter)

Gene: ABHD5 (abhydrolase domain containing 5, lysophosphatidic acid acyltransferase; plus strand). Cytogenetic location: 3p21.33.
Variant type: single nucleotide variant.
Coding change: c.340C>T on transcript NM_016006.6 (MANE Select); coding-DNA position 340, C replaced by T.
Protein change: p.Arg114Ter; replaces arginine 114 with a stop codon.
Molecular consequence: nonsense. On other transcripts: non-coding transcript variant (1).
Genome position (GRCh38, 1-based): chr3:43,702,421, C>T. VCF-style: chr3-43702421-C-T. GRCh37 (hg19) VCF-style: chr3-43743913-C-T.
Other names: c.340C>T, p.Arg114Ter (NM_001355186.2, NM_001365650.1); c.217C>T, p.Arg73Ter (NM_001365649.1); short protein forms R114*, R73*.
Identifiers: ClinVar variation 523801 (VCV000523801.2), dbSNP rs752473449, ClinGen allele CA2341318.

ClinVar aggregate classification (germline): Pathogenic (1 of 4 stars; one submission).

Allele frequency attached by ClinVar (database versions not stated): gnomAD exomes 0.00001; TOPMed 0.00001; gnomAD 0.00002 and 0.00003; ExAC 0.00002.

Submission:

GeneDx
Classification: Pathogenic. Last evaluated: 2018-02-06. Review status: criteria provided, single submitter. Criteria: GeneDx Variant Classification (06012015). Collection method: clinical testing. Allele origin: germline. Affected: yes.
Comment: The R114X variant in the ABHD5 gene has not been reported previously as a pathogenic variant nor as a benign variant, to our knowledge. This variant is predicted to cause loss of normal protein function either through protein truncation or nonsense-mediated mRNA decay. The R114X variant is not observed at a significant frequency in large population cohorts (Lek et al., 2016). We interpret R114X as a pathogenic variant.